The following is an entry in ClinVar:

ClinVar aggregate classification (germline): Pathogenic (1 of 4 stars; one submission).

Conditions:
Eichsfeld type congenital muscular dystrophy (CMYO3). Also called: MYOPATHY, SEPN1-RELATED; Rigid spine muscular dystrophy 1; SELENON-related myopathy; Congenital myopathy 3 with rigid spine. Identifiers: MedGen C0410180, MONDO:0100100, OMIM 602771.

Submission:

Women's Health and Genetics/Laboratory Corporation of America, LabCorp
Classification: Pathogenic for Eichsfeld type congenital muscular dystrophy. Last evaluated: 2024-08-13. Review status: criteria provided, single submitter. Criteria: LabCorp Variant Classification Summary - May 2015. Collection method: clinical testing. Allele origin: germline.
Comment: Variant summary: SELENON c.4_5insCCCG (p.Gly2AlafsX82) results in a premature termination codon, predicted to cause a truncation of the encoded protein or absence of the protein due to nonsense mediated decay, which are commonly known mechanisms for disease. The frequency data for this variant in gnomAD is considered unreliable, as metrics indicate poor data quality at this position. To our knowledge, no occurrence of c.4_5insCCCG in individuals affected with Eichsfeld Type Congenital Muscular Dystrophy and no experimental evidence demonstrating its impact on protein function have been reported. No submitters have cited clinical-significance assessments for this variant to ClinVar. Based on the evidence outlined above, the variant was classified as pathogenic.

NM_206926.2(SELENON):c.4_5insCCCG (p.Gly2fs)

Gene: SELENON (selenoprotein N; plus strand). Cytogenetic location: 1p36.11.
Variant type: Insertion.
Coding change: c.4_5insCCCG on transcript NM_206926.2 (MANE Select); coding-DNA positions 4 to 5, CCCG inserted.
Protein change: p.Gly2fs; shifts the reading frame from glycine 2.
Molecular consequence: frameshift variant.
Genome position: GRCh38 VCF-style: chr1-25800233-G-GGCCC. GRCh37 (hg19) VCF-style: chr1-26126724-G-GGCCC.
Other names: c.4_5insCCCG, p.Gly2fs (NM_020451.3); short protein forms G2fs.
Identifiers: ClinVar variation 3366830 (VCV003366830.1).